The following is an entry in ClinVar:

ClinVar aggregate classification (germline): Uncertain significance (1 of 4 stars; one submission).

Conditions:
Loeys-Dietz syndrome 4 (LDS4). Also called: TGFB2-Related Loeys-Dietz Syndrome; ANEURYSM, AORTIC AND CEREBRAL, WITH ARTERIAL TORTUOSITY AND SKELETAL MANIFESTATIONS. Identifiers: MedGen C3553762, MONDO:0013897, OMIM 614816.

Allele frequency attached by ClinVar (database versions not stated): gnomAD exomes below 0.00001; ExAC 0.00001.
gnomAD v4.1: 1 of 1,614,094 alleles (0.000062%); no homozygotes.

Submission:

Labcorp Genetics (formerly Invitae), Labcorp
Classification: Uncertain significance for Loeys-Dietz syndrome 4. Last evaluated: 2025-03-17. Review status: criteria provided, single submitter. Criteria: Invitae Variant Classification Sherloc (09022015). Collection method: clinical testing. Allele origin: germline.
Comment: This sequence change replaces serine, which is neutral and polar, with leucine, which is neutral and non-polar, at codon 293 of the TGFB2 protein (p.Ser293Leu). This variant is present in population databases (rs758931687, gnomAD no frequency). This variant has not been reported in the literature in individuals affected with TGFB2-related conditions. ClinVar contains an entry for this variant (Variation ID: 2739286). Invitae Evidence Modeling of protein sequence and biophysical properties (such as structural, functional, and spatial information, amino acid conservation, physicochemical variation, residue mobility, and thermodynamic stability) indicates that this missense variant is not expected to disrupt TGFB2 protein function with a negative predictive value of 80%. In summary, the available evidence is currently insufficient to determine the role of this variant in disease. Therefore, it has been classified as a Variant of Uncertain Significance.

NM_003238.6(TGFB2):c.878C>T (p.Ser293Leu)

Gene: TGFB2 (transforming growth factor beta 2; plus strand). Cytogenetic location: 1q41.
Variant type: single nucleotide variant.
Coding change: c.878C>T on transcript NM_003238.6 (MANE Select); coding-DNA position 878, C replaced by T.
Protein change: p.Ser293Leu; replaces serine 293 with leucine.
Molecular consequence: missense variant. On other transcripts: non-coding transcript variant (2).
Genome position (GRCh38, 1-based): chr1:218,436,093, C>T. VCF-style: chr1-218436093-C-T. GRCh37 (hg19) VCF-style: chr1-218609435-C-T.
Other names: c.962C>T, p.Ser321Leu (NM_001135599.4); short protein forms S321L, S293L.
Identifiers: ClinVar variation 2739286 (VCV002739286.3), dbSNP rs758931687, ClinGen allele CA1398620.